The following is an entry in ClinVar:

NM_003000.3(SDHB):c.-2A>C

Gene: SDHB (succinate dehydrogenase complex iron sulfur subunit B; minus strand). Cytogenetic location: 1p36.13.
Variant type: single nucleotide variant.
Coding change: c.-2A>C on transcript NM_003000.3 (MANE Select); 2 bases upstream of the start codon, A replaced by C.
Molecular consequence: 5 prime UTR variant.
Genome position (GRCh38, 1-based): chr1:17,054,021, T>G on the plus strand (A>C on the coding strand, the complement: SDHB is on the minus strand). VCF-style: chr1-17054021-T-G. GRCh37 (hg19) VCF-style: chr1-17380516-T-G.
Other names: c.-2A>C (NM_001407361.1).
Identifiers: ClinVar variation 3438755 (VCV003438755.1).

ClinVar aggregate classification (germline): Uncertain significance (1 of 4 stars; one submission).

Conditions:
Hereditary cancer-predisposing syndrome. Also called: Tumor predisposition; Neoplastic Syndromes, Hereditary; Hereditary neoplastic syndrome; Hereditary Cancer Syndrome. Identifiers: Orphanet 140162, MedGen C0027672, MeSH D009386, MONDO:0015356.

Submission:

Ambry Genetics
Classification: Uncertain significance for Hereditary cancer-predisposing syndrome. Last evaluated: 2024-11-09. Review status: criteria provided, single submitter. Criteria: Ambry Variant Classification Scheme 2023. Collection method: clinical testing. Allele origin: germline.
Comment: The c.-2A>C variant is located in the 5' untranslated region (5&rsquo; UTR) of the SDHB gene. This variant results from an A to C substitution 2 bases upstream from the first translated codon. This nucleotide position is highly conserved in available vertebrate species. Based on the available evidence, the clinical significance of this variant remains unclear.